The following is an entry in ClinVar:

ClinVar aggregate classification (germline): Uncertain significance (1 of 4 stars; one submission).

Submission:

GeneDx
Classification: Uncertain significance. Last evaluated: 2024-07-09. Review status: criteria provided, single submitter. Criteria: GeneDx Variant Classification Process June 2021. Collection method: clinical testing. Allele origin: germline. Affected: yes.
Comment: Not observed at significant frequency in large population cohorts (gnomAD); In silico analysis indicates that this missense variant does not alter protein structure/function; Has not been previously published as pathogenic or benign to our knowledge

NM_001378418.1(TCF20):c.4853C>T (p.Thr1618Ile)

Gene: TCF20 (transcription factor 20; minus strand). Cytogenetic location: 22q13.2.
Variant type: single nucleotide variant.
Coding change: c.4853C>T on transcript NM_001378418.1 (MANE Select); coding-DNA position 4853, C replaced by T.
Protein change: p.Thr1618Ile; replaces threonine 1618 with isoleucine.
Molecular consequence: missense variant.
Genome position (GRCh38, 1-based): chr22:42,210,453, G>A on the plus strand (C>T on the coding strand, the complement: TCF20 is on the minus strand). VCF-style: chr22-42210453-G-A. GRCh37 (hg19) VCF-style: chr22-42606459-G-A.
Other names: c.4853C>T, p.Thr1618Ile (NM_005650.4, NM_181492.3); short protein forms T1618I.
Identifiers: ClinVar variation 3572689 (VCV003572689.1).
Genomic context (GRCh38, chr22:42,210,453, plus strand): 5'-ACTACATGGATGTAAGGGTAAAAAGACTTGTTCTTGGCATCAGTTTTATCCAGTGGCTGG[G>A]TGGCATATTTTAGTTTGATCTCAGGTTCTTGGGGTTCCACAATGGGAACTGCTTGTTTGG-3'
Protein context (NP_001365347.1, residues 1608-1628): QEPEIKLKYA[Thr1618Ile]QPLDKTDAKN